The following is an entry in ClinVar:

ClinVar aggregate classification (germline): Uncertain significance (1 of 4 stars; one submission).

Submission:

Labcorp Genetics (formerly Invitae), Labcorp
Classification: Uncertain significance. Last evaluated: 2024-07-11. Review status: criteria provided, single submitter. Criteria: Invitae Variant Classification Sherloc (09022015). Collection method: clinical testing. Allele origin: germline.
Comment: This sequence change replaces histidine, which is basic and polar, with glutamine, which is neutral and polar, at codon 575 of the KDM1A protein (p.His575Gln). This variant is not present in population databases (gnomAD no frequency). This variant has not been reported in the literature in individuals affected with KDM1A-related conditions. Advanced modeling of protein sequence and biophysical properties (such as structural, functional, and spatial information, amino acid conservation, physicochemical variation, residue mobility, and thermodynamic stability) performed at Invitae indicates that this missense variant is expected to disrupt KDM1A protein function with a positive predictive value of 80%. In summary, the available evidence is currently insufficient to determine the role of this variant in disease. Therefore, it has been classified as a Variant of Uncertain Significance.

NM_001009999.3(KDM1A):c.1725C>G (p.His575Gln)

Gene: KDM1A (lysine demethylase 1A; plus strand). Cytogenetic location: 1p36.12.
Variant type: single nucleotide variant.
Coding change: c.1725C>G on transcript NM_001009999.3 (MANE Select); coding-DNA position 1725, C replaced by G.
Protein change: p.His575Gln; replaces histidine 575 with glutamine.
Molecular consequence: missense variant.
Genome position (GRCh38, 1-based): chr1:23,073,394, C>G. VCF-style: chr1-23073394-C-G. GRCh37 (hg19) VCF-style: chr1-23399887-C-G.
Other names: c.1653C>G, p.His551Gln (NM_015013.4, NM_001410763.1); c.1671C>G, p.His557Gln (NM_001363654.2); c.1731C>G, p.His577Gln (NM_001410762.1); short protein forms H551Q, H575Q, H577Q, H557Q.
Identifiers: ClinVar variation 3659150 (VCV003659150.2).